The following is an entry in ClinVar:

ClinVar aggregate classification (germline): Uncertain significance. Review status: criteria provided, multiple submitters, no conflicts (2 of 4 stars). 3 submissions from 3 submitters: Uncertain significance (3). Last evaluated 2025-11-04.

Conditions:
Familial melanoma. Also called: Hereditary melanoma; Hereditary cutaneous melanoma. Identifiers: Orphanet 618, MedGen C1512419, MONDO:0018961.
Hereditary cancer-predisposing syndrome. Also called: Hereditary Cancer Syndrome; Hereditary neoplastic syndrome; Neoplastic Syndromes, Hereditary; Tumor predisposition. Identifiers: Orphanet 140162, MedGen C0027672, MeSH D009386, MONDO:0015356.

Allele frequency attached by ClinVar (database versions not stated): gnomAD 0.00001; gnomAD exomes 0.00001; TOPMed 0.00001.
gnomAD v4.1: 24 of 1,614,074 alleles (0.0015%); highest among the groups gnomAD compares: Non-Finnish European, 0.0018%; no homozygotes.

Submissions (3):

Labcorp Genetics (formerly Invitae), Labcorp
Classification: Uncertain significance for Familial melanoma. Last evaluated: 2025-11-04. Review status: criteria provided, single submitter. Criteria: Invitae Variant Classification Sherloc (09022015). Collection method: clinical testing. Allele origin: germline.
Comment: This sequence change replaces glutamic acid, which is acidic and polar, with glycine, which is neutral and non-polar, at codon 144 of the CDK4 protein (p.Glu144Gly). This variant is not present in population databases (gnomAD no frequency). This missense change has been observed in individual(s) with Lynch syndrome-associated cancer and/or polyps (PMID: 25980754). ClinVar contains an entry for this variant (Variation ID: 216269). An algorithm developed to predict the effect of missense changes on protein structure and function (PolyPhen-2) suggests that this variant is likely to be tolerated. In summary, the available evidence is currently insufficient to determine the role of this variant in disease. Therefore, it has been classified as a Variant of Uncertain Significance.

Ambry Genetics
Classification: Uncertain significance for Hereditary cancer-predisposing syndrome. Last evaluated: 2024-10-05. Review status: criteria provided, single submitter. Criteria: Ambry Variant Classification Scheme 2023. Collection method: clinical testing. Allele origin: germline.
Comment: The p.E144G variant (also known as c.431A>G), located in coding exon 3 of the CDK4 gene, results from an A to G substitution at nucleotide position 431. The glutamic acid at codon 144 is replaced by glycine, an amino acid with similar properties. This amino acid position is well conserved in available vertebrate species. In addition, the in silico prediction for this alteration is inconclusive. Since supporting evidence is limited at this time, the clinical significance of this alteration remains unclear.

GeneDx
Classification: Uncertain significance. Last evaluated: 2016-11-22. Review status: criteria provided, single submitter. Criteria: GeneDx Variant Classification (06012015). Collection method: clinical testing. Allele origin: germline. Affected: yes.
Comment: This variant is denoted CDK4 c.431A>G at the cDNA level, p.Glu144Gly (E144G) at the protein level, and results in the change of a Glutamic Acid to a Glycine (GAG>GGG). This variant was observed a cohort of 1250 individuals with personal history of Lynch syndrome-associated cancer and/or polyps undergoing cancer panel genetic testing (Yurgelun 2015). CDK4 Glu144Gly was not observed in approximately 6,500 individuals of European and African American ancestry in the NHLBI Exome Sequencing Project, suggesting it is not a common benign variant in these populations. Since Glutamic Acid and Glycine differ in polarity, charge, size or other properties, this is considered a non-conservative amino acid substitution. CDK4 Glu144Gly occurs at a position that is conserved across species and is located within the protein kinase domain (UniProt). In silico analyses predict that this variant is probably damaging to protein structure and function. Based on currently available evidence, it is unclear whether CDK4 Glu144Gly is a pathogenic or benign variant. We consider it to be a variant of uncertain significance.

Literature cited by the submitters: PubMed 25980754 (cited by Labcorp Genetics (formerly Invitae), Labcorp).

NM_000075.4(CDK4):c.431A>G (p.Glu144Gly)

Gene: CDK4 (cyclin dependent kinase 4; minus strand). Cytogenetic location: 12q14.1.
Variant type: single nucleotide variant.
Coding change: c.431A>G on transcript NM_000075.4 (MANE Select); coding-DNA position 431, A replaced by G.
Protein change: p.Glu144Gly; replaces glutamic acid 144 with glycine.
Molecular consequence: missense variant.
Genome position (GRCh38, 1-based): chr12:57,751,014, T>C on the plus strand (A>G on the coding strand, the complement: CDK4 is on the minus strand). VCF-style: chr12-57751014-T-C. GRCh37 (hg19) VCF-style: chr12-58144797-T-C.
Other names: c.431A>G (LRG_490t1); short protein forms E144G.
Identifiers: ClinVar variation 216269 (VCV000216269.14), dbSNP rs863224603, ClinGen allele CA335863.